The following is an entry in ClinVar:

ClinVar aggregate classification (germline): Likely pathogenic (1 of 4 stars; one submission).

Conditions:
Mucopolysaccharidosis, MPS-IV-A (MPS4A). Also called: MPS IVA; GALACTOSAMINE-6-SULFATASE DEFICIENCY; GALNS DEFICIENCY; MORQUIO A DISEASE; Morquio syndrome A, mild; MORQUIO SYNDROME A. Identifiers: Orphanet 309297, Orphanet 582, MedGen C0086651, MONDO:0009659, OMIM 253000.

Submission:

Labcorp Genetics (formerly Invitae), Labcorp
Classification: Likely pathogenic for Mucopolysaccharidosis, MPS-IV-A. Last evaluated: 2021-06-24. Review status: criteria provided, single submitter. Criteria: Invitae Variant Classification Sherloc (09022015). Collection method: clinical testing. Allele origin: germline.
Comment: In summary, the currently available evidence indicates that the variant is pathogenic, but additional data are needed to prove that conclusively. Therefore, this variant has been classified as Likely Pathogenic. This variant disrupts the p.Phe216 amino acid residue in GALNS. Other variant(s) that disrupt this residue have been determined to be pathogenic (PMID: 24726177, 25252036, 31200731). This suggests that this residue is clinically significant, and that variants that disrupt this residue are likely to be disease-causing. Advanced modeling of protein sequence and biophysical properties (such as structural, functional, and spatial information, amino acid conservation, physicochemical variation, residue mobility, and thermodynamic stability) performed at Invitae indicates that this missense variant is expected to disrupt GALNS protein function. This variant has not been reported in the literature in individuals with GALNS-related conditions. This variant is not present in population databases (ExAC no frequency). This sequence change replaces phenylalanine with leucine at codon 216 of the GALNS protein (p.Phe216Leu). The phenylalanine residue is moderately conserved and there is a small physicochemical difference between phenylalanine and leucine.

Literature cited by the submitters: PubMed 24726177; PubMed 25252036; PubMed 31200731.

NM_000512.5(GALNS):c.648C>G (p.Phe216Leu)

Gene: GALNS (galactosamine (N-acetyl)-6-sulfatase; minus strand). Cytogenetic location: 16q24.3.
Variant type: single nucleotide variant.
Coding change: c.648C>G on transcript NM_000512.5 (MANE Select); coding-DNA position 648, C replaced by G.
Protein change: p.Phe216Leu; replaces phenylalanine 216 with leucine.
Molecular consequence: missense variant.
Genome position (GRCh38, 1-based): chr16:88,835,835, G>C on the plus strand (C>G on the coding strand, the complement: GALNS is on the minus strand). VCF-style: chr16-88835835-G-C. GRCh37 (hg19) VCF-style: chr16-88902243-G-C.
Other names: c.93C>G, p.Phe31Leu (NM_001323543.2); c.666C>G, p.Phe222Leu (NM_001323544.2); short protein forms F216L, F222L, F31L.
Identifiers: ClinVar variation 1470668 (VCV001470668.8), dbSNP rs2143001453, ClinGen allele CA397080740.